The following is an entry in ClinVar:

ClinVar aggregate classification (germline): Uncertain significance (1 of 4 stars; one submission).

Conditions:
Brugada syndrome 4 (BRGDA4). Identifiers: Orphanet 130, MedGen C2678477, MONDO:0012743, OMIM 611876.

Submission:

Labcorp Genetics (formerly Invitae), Labcorp
Classification: Uncertain significance for Brugada syndrome 4. Last evaluated: 2022-07-26. Review status: criteria provided, single submitter. Criteria: Invitae Variant Classification Sherloc (09022015). Collection method: clinical testing. Allele origin: germline.
Comment: Algorithms developed to predict the effect of missense changes on protein structure and function (SIFT, PolyPhen-2, Align-GVGD) all suggest that this variant is likely to be disruptive. In summary, the available evidence is currently insufficient to determine the role of this variant in disease. Therefore, it has been classified as a Variant of Uncertain Significance. ClinVar contains an entry for this variant (Variation ID: 1035844). This variant has not been reported in the literature in individuals affected with CACNB2-related conditions. This variant is not present in population databases (gnomAD no frequency). This sequence change replaces alanine, which is neutral and non-polar, with threonine, which is neutral and polar, at codon 56 of the CACNB2 protein (p.Ala56Thr).

NM_201596.3(CACNB2):c.328G>A (p.Ala110Thr)

Gene: CACNB2 (calcium voltage-gated channel auxiliary subunit beta 2; plus strand). Cytogenetic location: 10p12.31.
Variant type: single nucleotide variant.
Coding change: c.328G>A on transcript NM_201596.3 (MANE Select); coding-DNA position 328, G replaced by A.
Protein change: p.Ala110Thr; replaces alanine 110 with threonine.
Molecular consequence: missense variant.
Genome position (GRCh38, 1-based): chr10:18,402,038, G>A. VCF-style: chr10-18402038-G-A. GRCh37 (hg19) VCF-style: chr10-18690967-G-A.
Other names: c.163G>A, p.Ala55Thr (NM_000724.4, NM_001330060.2); c.244G>A, p.Ala82Thr (NM_001167945.2, NM_201571.4, NM_201572.4); c.184G>A, p.Ala62Thr (NM_201570.3); c.166G>A, p.Ala56Thr (NM_201590.3); c.328G>A, p.Ala110Thr (NM_201593.3, NM_201597.3); short protein forms A55T, A62T, A82T, A110T, A56T.
Identifiers: ClinVar variation 1035844 (VCV001035844.8), dbSNP rs765424880, ClinGen allele CA376219647.